The following is an entry in ClinVar:

NM_001365536.1(SCN9A):c.2709del (p.Asp902_Cys903insTer)

Genes: SCN1A-AS1 (SCN1A and SCN9A antisense RNA 1; plus strand), SCN9A (sodium voltage-gated channel alpha subunit 9; minus strand). Cytogenetic location: 2q24.3.
Variant type: Deletion.
Coding change: c.2709del on transcript NM_001365536.1 (MANE Select); coding-DNA position 2709, one base deleted (T; older notation c.2709delT).
Protein change: p.Asp902_Cys903insTer.
Molecular consequence: nonsense. On other transcripts: non-coding transcript variant (1), frameshift variant (1).
Genome position (GRCh38, 1-based): chr2:166,277,148, A deleted on the plus strand (T on the coding strand, the reverse complement: SCN9A is on the minus strand). VCF-style (leftmost placement, unchanged base first): chr2-166277147-TA-T. GRCh37 (hg19) VCF-style: chr2-167133657-TA-T.
Other names: c.2676delT, p.Cys892Terfs (NM_002977.4).
Identifiers: ClinVar variation 948229 (VCV000948229.8), dbSNP rs1697271674, ClinGen allele CA1139657336.
Genomic context (GRCh38, chr2:166,277,147, plus strand): 5'-GCACGCGGAACACAATCAGGAAGGAGTGGAAGAAGTCGTTCATGTGCCACCGTGGGAGCG[TA>T]CAGTCATCATTGATCTTGCAGACACATTCTTTGTAGCTCTTACCAAAGAGCTGCATGCCG-3'

ClinVar aggregate classification (germline): Pathogenic (1 of 4 stars; one submission).

Conditions:
Generalized epilepsy with febrile seizures plus, type 7 (GEFSP7). Also called: GEFS+, TYPE 7. Identifiers: Orphanet 36387, MedGen C2751778, MONDO:0013470, OMIM 613863.
Neuropathy, hereditary sensory and autonomic, type 2A (HSAN2A). Also called: HSAN IIA; MORVAN DISEASE; NEUROPATHY, CONGENITAL SENSORY; NEUROPATHY, HEREDITARY SENSORY RADICULAR, AUTOSOMAL RECESSIVE; NEUROPATHY, HEREDITARY SENSORY, TYPE IIA; NEUROPATHY, PROGRESSIVE SENSORY, OF CHILDREN. Identifiers: Orphanet 970, MedGen C2752089, MONDO:0024309, OMIM 201300.

Allele frequency attached by ClinVar (database versions not stated): TOPMed below 0.00001.

Submission:

Labcorp Genetics (formerly Invitae), Labcorp
Classification: Pathogenic for Neuropathy, hereditary sensory and autonomic, type 2A; Generalized epilepsy with febrile seizures plus, type 7. Last evaluated: 2022-07-12. Review status: criteria provided, single submitter. Criteria: Invitae Variant Classification Sherloc (09022015). Collection method: clinical testing. Allele origin: germline.
Comment: ClinVar contains an entry for this variant (Variation ID: 948229). For these reasons, this variant has been classified as Pathogenic. This variant has not been reported in the literature in individuals affected with SCN9A-related conditions. This variant is not present in population databases (gnomAD no frequency). This sequence change creates a premature translational stop signal (p.Cys892*) in the SCN9A gene. It is expected to result in an absent or disrupted protein product. Loss-of-function variants in SCN9A are known to be pathogenic (PMID: 17470132, 19304393).

Literature cited by the submitters: PubMed 17470132; PubMed 19304393.